The following is an entry in ClinVar:

NM_021830.5(TWNK):c.1436A>G (p.Glu479Gly)

Gene: TWNK (twinkle mtDNA helicase; plus strand). Cytogenetic location: 10q24.31.
Variant type: single nucleotide variant.
Coding change: c.1436A>G on transcript NM_021830.5 (MANE Select); coding-DNA position 1436, A replaced by G.
Protein change: p.Glu479Gly; replaces glutamic acid 479 with glycine.
Molecular consequence: missense variant. On other transcripts: non-coding transcript variant (5).
Genome position (GRCh38, 1-based): chr10:100,989,836, A>G. VCF-style: chr10-100989836-A-G. GRCh37 (hg19) VCF-style: chr10-102749593-A-G.
Other names: c.1436A>G, p.Glu479Gly (NM_001163812.2); c.74A>G, p.Glu25Gly (NM_001163813.2, NM_001163814.2, NM_001368275.1); short protein forms E25G, E479G.
Identifiers: ClinVar variation 4823902 (VCV004823902.3).
Genomic context (GRCh38, chr10:100,989,836, plus strand): 5'-TTGCCGAGGGGCGGCTGGAAGATCAACTGGACAAATATGATCACTGGGCTGACCGCTTTG[A>G]GGACCTGCCCCTCTATTTCATGACTTTCCATGGACAGCAAAGCATCAGGTGAGACTCCCA-3'
Protein context (NP_068602.2, residues 469-489): DKYDHWADRF[Glu479Gly]DLPLYFMTFH

ClinVar aggregate classification (germline): Conflicting classifications of pathogenicity. Review status: criteria provided, conflicting classifications (1 of 4 stars). 2 submissions from 2 submitters: Likely pathogenic (1); Uncertain significance (1). Last evaluated 2025-09-25.

Conditions:
Progressive external ophthalmoplegia with mitochondrial DNA deletions, autosomal dominant 3. Also called: PROGRESSIVE EXTERNAL OPHTHALMOPLEGIA, AUTOSOMAL DOMINANT 3. Identifiers: MedGen C1836439, MONDO:0012241, OMIM 609286.

Submissions (2):

Clinical Genetics Laboratory, Region Ostergotland
Classification: Likely pathogenic for Progressive external ophthalmoplegia with mitochondrial DNA deletions, autosomal dominant 3. Last evaluated: 2025-09-25. Review status: criteria provided, single submitter. Criteria: ACMG Guidelines, 2015. Collection method: clinical testing. Allele origin: germline. Affected: yes.
Comment: The NM_021830.5:c.1436A>G missense variant was found in individuals with progressive external ophtalmoplegia and the variant is not found in population database (no frequency gnomAD v4.1.0 (non-UKB)). The variant is located in a functional domain (P-loop_NTPase) (PMID:18575922, PMID:35011763, PMID:32283748) and the REVEL-score is 0.873. A different missense change (c.1435G>A) in the same amino acid has been found to be likely pathogenic (PMID:18575922). The following ACMG/AMP criteria were applied in classifying this variant: PM2, PM1, PP3_moderate, PM5_supporting

Blueprint Genetics
Classification: Uncertain significance. Last evaluated: 2020-05-25. Review status: criteria provided, single submitter. Criteria: ACMG Guidelines, 2015. Collection method: clinical testing. Allele origin: germline.

Literature cited by the submitters: PubMed 18575922 (cited by Clinical Genetics Laboratory, Region Ostergotland); PubMed 35011763 (cited by Clinical Genetics Laboratory, Region Ostergotland); PubMed 32283748 (cited by Clinical Genetics Laboratory, Region Ostergotland).